The following is an entry in ClinVar:

ClinVar aggregate classification (germline): Pathogenic (1 of 4 stars; one submission).

Conditions:
Hereditary diffuse gastric adenocarcinoma (HDGC). Also called: DIFFUSE GASTRIC AND LOBULAR BREAST CANCER SYNDROME. Identifiers: Orphanet 26106, MedGen C1708349, MONDO:0007648, OMIM 137215.

Submission:

Myriad Genetics, Inc.
Classification: Pathogenic for Hereditary diffuse gastric adenocarcinoma. Last evaluated: 2023-06-12. Review status: criteria provided, single submitter. Criteria: Myriad Autosomal Dominant, Autosomal Recessive and X-Linked Classification Criteria (2023). Collection method: clinical testing. Allele origin: unknown.
Comment: This variant is considered pathogenic. This variant creates a termination codon and is predicted to result in premature protein truncation.

NM_004360.5(CDH1):c.970G>T (p.Gly324Ter)

Gene: CDH1 (cadherin 1; plus strand). Cytogenetic location: 16q22.1.
Variant type: single nucleotide variant.
Coding change: c.970G>T on transcript NM_004360.5 (MANE Select); coding-DNA position 970, G replaced by T.
Protein change: p.Gly324Ter; replaces glycine 324 with a stop codon.
Molecular consequence: nonsense. On other transcripts: 5 prime UTR variant (2).
Genome position (GRCh38, 1-based): chr16:68,811,821, G>T. VCF-style: chr16-68811821-G-T. GRCh37 (hg19) VCF-style: chr16-68845724-G-T.
Other names: c.970G>T, p.Gly324Ter (NM_001317184.2); c.-646G>T (NM_001317185.2); c.-850G>T (NM_001317186.2); short protein forms G324*.
Identifiers: ClinVar variation 2583392 (VCV002583392.2), dbSNP rs2152132103, ClinGen allele CA396459835.